The following is an entry in ClinVar:

ClinVar aggregate classification (germline): Likely benign (1 of 4 stars; one submission).

Submission:

CeGaT Center for Human Genetics Tuebingen
Classification: Likely benign. Last evaluated: 2026-09-01. Review status: criteria provided, single submitter. Criteria: CeGaT Center For Human Genetics Tuebingen Variant Classification Criteria Version 2. Collection method: clinical testing. Allele origin: germline. Affected: yes. Observed: 1 variant allele.
Comment: CACNA1A: PM2:Supporting, BP4, BP7

NM_001127222.2(CACNA1A):c.4245T>C (p.Asp1415=)

Genes: CACNA1A (calcium voltage-gated channel subunit alpha1 A; minus strand), LOC126862864 (MED14-independent group 3 enhancer GRCh37_chr19:13371552-13372751; plus strand). Cytogenetic location: 19p13.13.
Variant type: single nucleotide variant.
Coding change: c.4245T>C on transcript NM_001127222.2 (MANE Select); coding-DNA position 4245, T replaced by C.
Protein change: p.Asp1415=; no amino-acid change (aspartic acid 1415 retained).
Molecular consequence: synonymous variant.
Genome position (GRCh38, 1-based): chr19:13,261,455, A>G on the plus strand (T>C on the coding strand, the complement: CACNA1A is on the minus strand). VCF-style: chr19-13261455-A-G. GRCh37 (hg19) VCF-style: chr19-13372269-A-G.
Other names: c.4257T>C, p.Asp1419= (NM_000068.4, NM_023035.3); c.4248T>C, p.Asp1416= (NM_001127221.2, NM_001174080.2).
Identifiers: ClinVar variation 5041427 (VCV005041427.1).